The following is an entry in ClinVar:

NM_000016.6(ACADM):c.377del (p.Asn126fs)

Gene: ACADM (acyl-CoA dehydrogenase medium chain; plus strand). Cytogenetic location: 1p31.1.
Variant type: Deletion.
Coding change: c.377del on transcript NM_000016.6 (MANE Select); coding-DNA position 377, one base deleted (A; older notation c.377delA).
Protein change: p.Asn126fs; shifts the reading frame from asparagine 126.
Molecular consequence: frameshift variant. On other transcripts: intron variant (1).
Genome position (GRCh38, 1-based): chr1:75,733,618, A deleted; the last of 3 consecutive A bases (chr1:75,733,616-75,733,618); deleting any one gives the same sequence. VCF-style (leftmost placement, unchanged base first): chr1-75733615-GA-G. GRCh37 (hg19) VCF-style: chr1-76199300-GA-G.
Other names: c.389del, p.Asn130fs (NM_001127328.3); c.269del, p.Asn90fs (NM_001286042.2); c.476del, p.Asn159fs (NM_001286043.2); c.-100+696del (NM_001286044.2); short protein forms N126fs, N130fs, N159fs, N90fs.
Identifiers: ClinVar variation 1070530 (VCV001070530.8), dbSNP rs2100366089, ClinGen allele CA2499214858.

ClinVar aggregate classification (germline): Pathogenic (1 of 4 stars; one submission).

Conditions:
Medium-chain acyl-coenzyme A dehydrogenase deficiency (ACADMD). Also called: MCADH DEFICIENCY; MCADD; MCAD Deficiency; ACADM DEFICIENCY; CARNITINE DEFICIENCY SECONDARY TO MEDIUM-CHAIN ACYL-CoA DEHYDROGENASE DEFICIENCY; Medium chain acyl-CoA dehydrogenase deficiency. Identifiers: Orphanet 42, MedGen C0220710, MONDO:0008721, OMIM 201450.

Submission:

Labcorp Genetics (formerly Invitae), Labcorp
Classification: Pathogenic for Medium-chain acyl-coenzyme A dehydrogenase deficiency. Last evaluated: 2022-02-05. Review status: criteria provided, single submitter. Criteria: Invitae Variant Classification Sherloc (09022015). Collection method: clinical testing. Allele origin: germline.
Comment: This sequence change creates a premature translational stop signal (p.Asn126Ilefs*24) in the ACADM gene. It is expected to result in an absent or disrupted protein product. Loss-of-function variants in ACADM are known to be pathogenic (PMID: 16121256, 20434380). This variant is not present in population databases (gnomAD no frequency). This variant has not been reported in the literature in individuals affected with ACADM-related conditions. ClinVar contains an entry for this variant (Variation ID: 1070530). For these reasons, this variant has been classified as Pathogenic.

Literature cited by the submitters: PubMed 16121256; PubMed 20434380.